The following is an entry in ClinVar:

ClinVar aggregate classification (germline): Likely benign. Review status: criteria provided, multiple submitters, no conflicts (2 of 4 stars). 3 submissions from 3 submitters: Likely benign (2). 1 of the submissions does not count toward it. Last evaluated 2024-10-16.

Conditions:
IFT74-related disorder. Also called: IFT74-related condition; IFT74-Related Disorders.

Allele frequency attached by ClinVar (database versions not stated): TOPMed below 0.00001; ExAC 0.00001; gnomAD exomes 0.00001.
gnomAD v4.1: 8 of 1,568,058 alleles (0.00051%); highest among the groups gnomAD compares: Non-Finnish European, 0.0007%; no homozygotes.

Submissions (3):

Labcorp Genetics (formerly Invitae), Labcorp
Classification: Likely benign. Last evaluated: 2024-10-16. Review status: criteria provided, single submitter. Criteria: Invitae Variant Classification Sherloc (09022015). Collection method: clinical testing. Allele origin: germline.

Blueprint Genetics
Classification: Likely benign. Last evaluated: 2024-09-06. Review status: criteria provided, single submitter. Criteria: ACMG Guidelines, 2015. Collection method: clinical testing. Allele origin: germline.

PreventionGenetics, part of Exact Sciences
Classification: Likely benign for IFT74-related condition. Last evaluated: 2021-08-24. Review status: no assertion criteria provided. Collection method: clinical testing. Allele origin: germline. Not counted in ClinVar's aggregate classification.
Comment: This variant is classified as likely benign based on ACMG/AMP sequence variant interpretation guidelines (Richards et al. 2015 PMID: 25741868, with internal and published modifications).

NM_025103.4(IFT74):c.1080G>A (p.Glu360=)

Gene: IFT74 (intraflagellar transport 74; plus strand). Cytogenetic location: 9p21.2.
Variant type: single nucleotide variant.
Coding change: c.1080G>A on transcript NM_025103.4 (MANE Select); coding-DNA position 1080, G replaced by A.
Protein change: p.Glu360=; no amino-acid change (glutamic acid 360 retained).
Molecular consequence: synonymous variant.
Genome position (GRCh38, 1-based): chr9:27,044,767, G>A. VCF-style: chr9-27044767-G-A. GRCh37 (hg19) VCF-style: chr9-27044765-G-A.
Other names: c.1080G>A (NM_025103.2); c.1080G>A, p.Glu360= (NM_001099222.3, NM_001099223.3, NM_001349928.2).
Identifiers: ClinVar variation 2417572 (VCV002417572.9), dbSNP rs769977024, ClinGen allele CA5015547.
Genomic context (GRCh38, chr9:27,044,767, plus strand): 5'-TTTGAAATTCATGTTGTATTTTATATCTCTCATAGGTGAAATGAACCAGAAATACAAGGA[G>A]CTAAAGAAAAGGGAGGAACATATGGACAGTAAGTGATATTCTTGTAGATATAAAAATATA-3'
Protein context (NP_079379.2, residues 350-370): HQGEMNQKYK[Glu360=]LKKREEHMDT